The following is an entry in ClinVar:

NM_000117.3(EMD):c.208G>T (p.Asp70Tyr)

Gene: EMD (emerin; plus strand). Cytogenetic location: Xq28.
Variant type: single nucleotide variant.
Coding change: c.208G>T on transcript NM_000117.3 (MANE Select); coding-DNA position 208, G replaced by T.
Protein change: p.Asp70Tyr; replaces aspartic acid 70 with tyrosine.
Molecular consequence: missense variant.
Genome position (GRCh38, 1-based): chrX:154,379,962, G>T. VCF-style: chrX-154379962-G-T. GRCh37 (hg19) VCF-style: chrX-153608322-G-T.
Other names: c.208G>T (NM_000117.2); short protein forms D70Y.
Identifiers: ClinVar variation 1059971 (VCV001059971.10), dbSNP rs2148128314, ClinGen allele CA415257627.

ClinVar aggregate classification (germline): Uncertain significance. Review status: criteria provided, multiple submitters, no conflicts (2 of 4 stars). 2 submissions from 2 submitters: Uncertain significance (2). Last evaluated 2025-06-24.

Conditions:
X-linked Emery-Dreifuss muscular dystrophy. Also called: Muscular dystrophy, tardive Emery-Dreifuss type, with contractures. Identifiers: Orphanet 261, Orphanet 98863, MedGen C0751337, MONDO:0010680.

Submissions (2):

GeneDx
Classification: Uncertain significance. Last evaluated: 2025-06-24. Review status: criteria provided, single submitter. Criteria: GeneDx Variant Classification Process June 2021. Collection method: clinical testing. Allele origin: germline. Affected: yes.
Comment: Not observed at significant frequency in large population cohorts (gnomAD); Missense variants in this gene are a common cause of disease and they are underrepresented in the general population; In silico analysis supports that this missense variant has a deleterious effect on protein structure/function; Has not been previously published as pathogenic or benign to our knowledge

Labcorp Genetics (formerly Invitae), Labcorp
Classification: Uncertain significance for X-linked Emery-Dreifuss muscular dystrophy. Last evaluated: 2020-03-14. Review status: criteria provided, single submitter. Criteria: Invitae Variant Classification Sherloc (09022015). Collection method: clinical testing. Allele origin: germline.
Comment: In summary, the available evidence is currently insufficient to determine the role of this variant in disease. Therefore, it has been classified as a Variant of Uncertain Significance. Algorithms developed to predict the effect of sequence changes on RNA splicing suggest that this variant may create or strengthen a splice site, but this prediction has not been confirmed by published transcriptional studies. Algorithms developed to predict the effect of missense changes on protein structure and function are either unavailable or do not agree on the potential impact of this missense change (SIFT: "Deleterious"; PolyPhen-2: "Probably Damaging"; Align-GVGD: "Class C0"). This variant has not been reported in the literature in individuals with EMD-related conditions. This variant is not present in population databases (ExAC no frequency). This sequence change replaces aspartic acid with tyrosine at codon 70 of the EMD protein (p.Asp70Tyr). The aspartic acid residue is highly conserved and there is a large physicochemical difference between aspartic acid and tyrosine.